The following is an entry in ClinVar:

NM_004329.3(BMPR1A):c.795C>T (p.Thr265=)

Gene: BMPR1A (bone morphogenetic protein receptor type 1A; plus strand). Cytogenetic location: 10q23.2.
Variant type: single nucleotide variant.
Coding change: c.795C>T on transcript NM_004329.3 (MANE Select); coding-DNA position 795, C replaced by T.
Protein change: p.Thr265=; no amino-acid change (threonine 265 retained).
Molecular consequence: synonymous variant.
Genome position (GRCh38, 1-based): chr10:86,917,253, C>T. VCF-style: chr10-86917253-C-T. GRCh37 (hg19) VCF-style: chr10-88677010-C-T.
Identifiers: ClinVar variation 921924 (VCV000921924.14), dbSNP rs1843586772, ClinGen allele CA470308068.

ClinVar aggregate classification (germline): Likely benign. Review status: criteria provided, multiple submitters, no conflicts (2 of 4 stars). 4 submissions from 4 submitters: Likely benign (4). Last evaluated 2025-08-11.

Conditions:
Juvenile polyposis syndrome (JPS). Identifiers: Orphanet 2929, MedGen C0345893, MONDO:0017380, OMIM 174900.
Hereditary cancer-predisposing syndrome. Also called: Hereditary Cancer Syndrome; Hereditary neoplastic syndrome; Neoplastic Syndromes, Hereditary; Tumor predisposition. Identifiers: Orphanet 140162, MedGen C0027672, MeSH D009386, MONDO:0015356.

Submissions (4):

Labcorp Genetics (formerly Invitae), Labcorp
Classification: Likely benign for Juvenile polyposis syndrome. Last evaluated: 2025-08-11. Review status: criteria provided, single submitter. Criteria: Invitae Variant Classification Sherloc (09022015). Collection method: clinical testing. Allele origin: germline.

All of Us Research Program, National Institutes of Health
Classification: Likely benign for Juvenile polyposis syndrome. Last evaluated: 2023-07-09. Review status: criteria provided, single submitter. Criteria: ACMG Guidelines, 2015. Collection method: clinical testing. Allele origin: germline. Inheritance: Autosomal dominant inheritance. Observed: 1 variant allele, 1 heterozygote.
Comment: This study involves interpretation of variants in research participants for the purpose of population health screening. Participant phenotype was not available at the time of variant classification. Additional details can be found in publication PMID: 35346344, PMCID: PMC8962531

Ambry Genetics
Classification: Likely benign for Hereditary cancer-predisposing syndrome. Last evaluated: 2022-10-12. Review status: criteria provided, single submitter. Criteria: Ambry Variant Classification Scheme 2023. Collection method: clinical testing. Allele origin: germline.

Color Diagnostics, LLC DBA Color Health
Classification: Likely benign for Hereditary cancer-predisposing syndrome. Last evaluated: 2019-03-04. Review status: criteria provided, single submitter. Criteria: ACMG Guidelines, 2015. Collection method: clinical testing. Allele origin: germline.